The following is an entry in ClinVar:

ClinVar aggregate classification (germline): Uncertain significance. Review status: criteria provided, multiple submitters, no conflicts (2 of 4 stars). 4 submissions from 4 submitters: Uncertain significance (4). Last evaluated 2025-12-01.

Conditions:
Charcot-Marie-Tooth disease type 2. Also called: Charcot-Marie-Tooth type 2. Identifiers: Orphanet 64746, MedGen C0270914, MONDO:0018993.
Charcot-Marie-Tooth disease type 2A1. Also called: CHARCOT-MARIE-TOOTH DISEASE, AXONAL, TYPE 2A1; CHARCOT-MARIE-TOOTH DISEASE, AXONAL, AUTOSOMAL DOMINANT, TYPE 2A1; CHARCOT-MARIE-TOOTH DISEASE, NEURONAL, TYPE 2A1; CHARCOT-MARIE-TOOTH NEUROPATHY, TYPE 2A1; HEREDITARY MOTOR AND SENSORY NEUROPATHY IIA1. Identifiers: Orphanet 99946, MedGen C1861678, MONDO:0007308, OMIM 118210.
Pheochromocytoma. Also called: MAX-Related Hereditary Paraganglioma-Pheochromocytoma Syndrome. Identifiers: Orphanet 29072, MedGen C0031511, MONDO:0008233, OMIM 171300, HP:0002666.
Neuroblastoma, susceptibility to, 1. Identifiers: MedGen C2749485, MONDO:0009741, OMIM 256700.

Allele frequency attached by ClinVar (database versions not stated): TOPMed 0.00004; ESP Exome Variant Server 0.00008; gnomAD exomes 0.00001 and below 0.00001; ExAC 0.00001; gnomAD 0.00002.
gnomAD v4.1: 19 of 1,613,566 alleles (0.0012%); highest among the groups gnomAD compares: African/African-American, 0.0027%; no homozygotes.

Submissions (4):

Labcorp Genetics (formerly Invitae), Labcorp
Classification: Uncertain significance for Charcot-Marie-Tooth disease type 2. Last evaluated: 2025-12-01. Review status: criteria provided, single submitter. Criteria: Invitae Variant Classification Sherloc (09022015). Collection method: clinical testing. Allele origin: germline.
Comment: This sequence change replaces arginine, which is basic and polar, with histidine, which is basic and polar, at codon 1099 of the KIF1B protein (p.Arg1099His). This variant is present in population databases (rs373663596, gnomAD 0.004%). This variant has not been reported in the literature in individuals affected with KIF1B-related conditions. ClinVar contains an entry for this variant (Variation ID: 1032652). An algorithm developed to predict the effect of missense changes on protein structure and function (PolyPhen-2) suggests that this variant is likely to be disruptive. In summary, the available evidence is currently insufficient to determine the role of this variant in disease. Therefore, it has been classified as a Variant of Uncertain Significance.

Ambry Genetics
Classification: Uncertain significance. Last evaluated: 2025-01-08. Review status: criteria provided, single submitter. Criteria: Ambry Variant Classification Scheme 2023. Collection method: clinical testing. Allele origin: germline.
Comment: The p.R1099H variant (also known as c.3296G>A), located in coding exon 29 of the KIF1B gene, results from a G to A substitution at nucleotide position 3296. The arginine at codon 1099 is replaced by histidine, an amino acid with highly similar properties. This amino acid position is highly conserved in available vertebrate species. In addition, the in silico prediction for this alteration is inconclusive. The evidence for this gene-disease relationship is limited; therefore, the clinical significance of this alteration is unclear.

Fulgent Genetics
Classification: Uncertain significance for Charcot-Marie-Tooth disease type 2A1; Pheochromocytoma; Neuroblastoma, susceptibility to, 1. Last evaluated: 2021-12-23. Review status: criteria provided, single submitter. Criteria: ACMG Guidelines, 2015. Collection method: clinical testing. Allele origin: unknown.

Baylor Genetics
Classification: Uncertain significance for Pheochromocytoma. Last evaluated: 2018-10-16. Review status: criteria provided, single submitter. Criteria: ACMG Guidelines, 2015. Collection method: clinical testing. Allele origin: paternal. Affected: yes.
Comment: This variant was determined to be of uncertain significance according to ACMG Guidelines, 2015 [PMID:25741868].

NM_001365951.3(KIF1B):c.3434G>A (p.Arg1145His)

Gene: KIF1B (kinesin family member 1B; plus strand). Cytogenetic location: 1p36.22.
Variant type: single nucleotide variant.
Coding change: c.3434G>A on transcript NM_001365951.3 (MANE Select); coding-DNA position 3434, G replaced by A.
Protein change: p.Arg1145His; replaces arginine 1145 with histidine.
Molecular consequence: missense variant.
Genome position (GRCh38, 1-based): chr1:10,339,780, G>A. VCF-style: chr1-10339780-G-A. GRCh37 (hg19) VCF-style: chr1-10399838-G-A.
Other names: c.3434G>A, p.Arg1145His (NM_001365952.1); c.3296G>A, p.Arg1099His (NM_015074.3); short protein forms R1145H, R1099H.
Identifiers: ClinVar variation 1032652 (VCV001032652.11), dbSNP rs373663596, ClinGen allele CA581783.
Genomic context (GRCh38, chr1:10,339,780, plus strand): 5'-AAAACCGTTTAATGCATTGTTCACGAGTCTTTTTATTTTTTTTATGAAGCTTTTTGCATC[G>A]CCATGATGAAGCATTCTCCACGGAGCCCCTCAAAAACAATGGCAGAGGAAGTCCCCTGGC-3'
Protein context (NP_001352880.1, residues 1135-1155): DIFCQFNFLH[Arg1145His]HDEAFSTEPL